The following is an entry in ClinVar:

ClinVar aggregate classification (germline): Likely benign (1 of 4 stars; one submission).

Allele frequency attached by ClinVar (database versions not stated): gnomAD 0.00001; TOPMed 0.00002; gnomAD exomes 0.00009.
gnomAD v4.1: 34 of 455,908 alleles (0.0075%); highest among the groups gnomAD compares: Non-Finnish European, 0.0093%; no homozygotes.

Submission:

CeGaT Center for Human Genetics Tuebingen
Classification: Likely benign. Last evaluated: 2022-07-01. Review status: criteria provided, single submitter. Criteria: CeGaT Center For Human Genetics Tuebingen Variant Classification Criteria Version 2. Collection method: clinical testing. Allele origin: germline. Affected: yes. Observed: 1 variant allele.
Comment: GALNT9: BP4

NM_001122636.2(GALNT9):c.1077+7232A>T

Genes: GALNT9 (polypeptide N-acetylgalactosaminyltransferase 9; minus strand), LOC110599568 (MS43a minisatellite repeat instability region; plus strand). Cytogenetic location: 12q24.33.
Variant type: single nucleotide variant.
Coding change: c.1077+7232A>T on transcript NM_001122636.2 (MANE Select); 7232 bases into the intron after coding-DNA position 1077, A replaced by T.
Molecular consequence: intron variant.
Genome position (GRCh38, 1-based): chr12:132,240,678, T>A on the plus strand (A>T on the coding strand, the complement: GALNT9 is on the minus strand). VCF-style: chr12-132240678-T-A. GRCh37 (hg19) VCF-style: chr12-132811529-T-A.
Identifiers: ClinVar variation 2643636 (VCV002643636.22), dbSNP rs775682849, ClinGen allele CA6890283.